The following is an entry in ClinVar:

NM_078480.3(PUF60):c.1447_1451delinsTGTGGCA (p.Val483fs)

Gene: PUF60 (poly(U) binding splicing factor 60; minus strand). Cytogenetic location: 8q24.3.
Variant type: Indel.
Coding change: c.1447_1451delinsTGTGGCA on transcript NM_078480.3 (MANE Select); coding-DNA positions 1447 to 1451, GTGAC replaced by TGTGGCA.
Protein change: p.Val483fs; shifts the reading frame from valine 483.
Molecular consequence: frameshift variant.
Genome position (GRCh38, 1-based): chr8:143,816,749-143,816,753, GTCAC replaced by TGCCACA on the plus strand (GTGAC replaced by TGTGGCA on the coding strand, the reverse complement: PUF60 is on the minus strand). VCF-style: chr8-143816749-GTCAC-TGCCACA. GRCh37 (hg19) VCF-style: chr8-144898919-GTCAC-TGCCACA.
Other names: c.1318_1322delinsTGTGGCA, p.Val440fs (NM_001136033.3); c.1393_1397delinsTGTGGCA, p.Val465fs (NM_001271096.2); c.1309_1313delinsTGTGGCA, p.Val437fs (NM_001271097.2); c.1444_1448delinsTGTGGCA, p.Val482fs (NM_001271098.2); c.1360_1364delinsTGTGGCA, p.Val454fs (NM_001271099.2); c.1267_1271delinsTGTGGCA, p.Val423fs (NM_001271100.2); c.1558_1562delinsTGTGGCA, p.Val520fs (NM_001362895.2, NM_001362896.2); c.1507_1511delinsTGTGGCA, p.Val503fs (NM_001362897.2); and 1 more; short protein forms V440fs, V454fs, V482fs, V503fs, V423fs, V437fs, V466fs, V520fs.
Identifiers: ClinVar variation 4833025 (VCV004833025.1).
Genomic context (GRCh38, chr8:143,816,749, plus strand): 5'-CCTTGTTTCTCTTGGTAGATGATGACGCGGTTCACGGCCCCGAACTTGCCACACTCCTCT[GTCAC>TGCCACA]CTCCCCTTCCAGGTCATCATCGATGTCCTTGGGGTCCACCATGTTGCGCAGAACCATCAC-3'

ClinVar aggregate classification (germline): Pathogenic (1 of 4 stars; one submission).

Conditions:
Inborn genetic diseases. Identifiers: MedGen C0950123, MeSH D030342.

Submission:

Ambry Genetics
Classification: Pathogenic for Inborn genetic diseases. Last evaluated: 2026-01-07. Review status: criteria provided, single submitter. Criteria: Ambry Variant Classification Scheme 2023. Collection method: clinical testing. Allele origin: germline.
Comment: The c.1447_1451delGTGACinsTGTGGCA (p.V483Cfs*12) alteration, located in exon 12 (coding exon 12) of the PUF60 gene, consists of an deletion of 5 and insertion of 7 nucleotides causing a translational frameshift at position 1447 with a predicted alternate stop codon after 12 amino acids. This variant is not expected to trigger nonsense-mediated mRNA decay, and impacts the last 14% of the protein. However, premature stop codons are typically deleterious in nature, the impacted region is critical for protein function, and a significant portion of the protein is affected (Ambry internal data). This variant was not reported in population-based cohorts in the Genome Aggregation Database (gnomAD). Based on the available evidence, this alteration is classified as pathogenic.